The following is an entry in ClinVar:

NM_000052.7(ATP7A):c.3595G>A (p.Val1199Ile)

Gene: ATP7A (ATPase copper transporting alpha; plus strand). Cytogenetic location: Xq21.1.
Variant type: single nucleotide variant.
Coding change: c.3595G>A on transcript NM_000052.7 (MANE Select); coding-DNA position 3595, G replaced by A.
Protein change: p.Val1199Ile; replaces valine 1199 with isoleucine.
Molecular consequence: missense variant. On other transcripts: non-coding transcript variant (1).
Genome position (GRCh38, 1-based): chrX:78,038,919, G>A. VCF-style: chrX-78038919-G-A. GRCh37 (hg19) VCF-style: chrX-77294417-G-A.
Other names: c.3361G>A, p.Val1121Ile (NM_001282224.2); short protein forms V1121I, V1199I.
Identifiers: ClinVar variation 1383694 (VCV001383694.8), dbSNP rs782026169, ClinGen allele CA10459441.

ClinVar aggregate classification (germline): Conflicting classifications of pathogenicity. Review status: criteria provided, conflicting classifications (1 of 4 stars). 2 submissions from 2 submitters: Uncertain significance (1); Likely benign (1). Last evaluated 2024-05-06.

Conditions:
Inborn genetic diseases. Identifiers: MedGen C0950123, MeSH D030342.
Cutis laxa, X-linked (OHS). Also called: EDS IX; Occipital horn syndrome. Identifiers: Orphanet 198, MedGen C0268353, MONDO:0010572, OMIM 304150.
X-linked distal spinal muscular atrophy type 3. Also called: ATP7A-Related Distal Motor Neuropathy; SPINAL MUSCULAR ATROPHY, DISTAL, X-LINKED RECESSIVE; NEUROPATHY, DISTAL HEREDITARY MOTOR, X-LINKED; NEURONOPATHY, DISTAL HEREDITARY MOTOR, X-LINKED. Identifiers: Orphanet 139557, MedGen C1845359, MONDO:0010338, OMIM 300489.
Menkes kinky-hair syndrome (MNK). Also called: Classic Menkes Disease; Copper transport disease; Menkes Disease. Identifiers: Orphanet 565, MedGen C0022716, MONDO:0010651, OMIM 309400.

Allele frequency attached by ClinVar (database versions not stated): ExAC 0.00001; gnomAD exomes 0.00001.

Submissions (2):

Labcorp Genetics (formerly Invitae), Labcorp
Classification: Likely benign for X-linked distal spinal muscular atrophy type 3; Cutis laxa, X-linked; Menkes kinky-hair syndrome. Last evaluated: 2024-05-06. Review status: criteria provided, single submitter. Criteria: Invitae Variant Classification Sherloc (09022015). Collection method: clinical testing. Allele origin: germline.

Ambry Genetics
Classification: Uncertain significance for Inborn genetic diseases. Last evaluated: 2020-03-16. Review status: criteria provided, single submitter. Criteria: Ambry Variant Classification Scheme 2023. Collection method: clinical testing. Allele origin: germline.
Comment: The p.V1199I variant (also known as c.3595G>A), located in coding exon 17 of the ATP7A gene, results from a G to A substitution at nucleotide position 3595. The valine at codon 1199 is replaced by isoleucine, an amino acid with highly similar properties. This amino acid position is not well conserved in available vertebrate species, and isoleucine is the reference amino acid in other vertebrate species. In addition, this alteration is predicted to be tolerated by in silico analysis. Since supporting evidence is limited at this time, the clinical significance of this alteration remains unclear.